The following is an entry in ClinVar:

NC_000007.14:g.(?_5991973)_(6002636_?)del

Gene: PMS2 (PMS1 homolog 2, mismatch repair system component; minus strand). Cytogenetic location: 7p22.1.
Variant type: Deletion.
Identifiers: ClinVar variation 417545 (VCV000417545.1).

ClinVar aggregate classification (germline): Pathogenic (1 of 4 stars; one submission).

Conditions:
Lynch syndrome. Identifiers: Orphanet 144, MedGen C4552100, MONDO:0005835. Disease mechanism: loss of function.

Submission:

Labcorp Genetics (formerly Invitae), Labcorp
Classification: Pathogenic for Hereditary nonpolyposis colorectal neoplasms. Last evaluated: 2016-06-05. Review status: criteria provided, single submitter. Criteria: Invitae Variant Classification Sherloc (09022015). Collection method: clinical testing. Allele origin: germline.
Comment: This variant is a gross deletion of the genomic region encompassing exons 5-9 of the PMS2 gene. This creates a premature translational stop signal and is expected to result in an absent or disrupted protein product. Truncating variants in PMS2 are known to be pathogenic. This particular truncation has been reported in the literature in an individual affected with colon cancer (PMID: 20205264). For these reasons, this variant has been classified as Pathogenic.